The following is an entry in ClinVar:

NM_016222.4(DDX41):c.299-5C>G

Gene: DDX41 (DEAD-box helicase 41; minus strand). Cytogenetic location: 5q35.3.
Variant type: single nucleotide variant.
Coding change: c.299-5C>G on transcript NM_016222.4 (MANE Select); 5 bases into the intron before coding-DNA position 299, C replaced by G.
Molecular consequence: intron variant.
Genome position (GRCh38, 1-based): chr5:177,516,198, G>C on the plus strand (C>G on the coding strand, the complement: DDX41 is on the minus strand). VCF-style: chr5-177516198-G-C. GRCh37 (hg19) VCF-style: chr5-176943199-G-C.
Other names: c.-80-5C>G (NM_001321830.2, NM_001321732.2).
Identifiers: ClinVar variation 4869646 (VCV004869646.1).

ClinVar aggregate classification (germline): Uncertain significance (1 of 4 stars; one submission).

Conditions:
Inborn genetic diseases. Identifiers: MedGen C0950123, MeSH D030342.

gnomAD v4.1: 2 of 1,614,000 alleles (0.00012%); highest among the groups gnomAD compares: African/African-American, 0.0027%; no homozygotes.

Submission:

Ambry Genetics
Classification: Uncertain significance for Inborn genetic diseases. Last evaluated: 2026-04-21. Review status: criteria provided, single submitter. Criteria: Ambry Variant Classification Scheme 2023. Collection method: clinical testing. Allele origin: germline.
Comment: The c.299-5C>G intronic variant results from a C to G substitution 5 nucleotides upstream from coding exon 4 in the DDX41 gene. This nucleotide position is not well conserved in available vertebrate species. In silico splice site analysis predicts that this alteration will not have any significant effect on splicing. Based on the available evidence, the clinical significance of this variant remains unclear.